The following is an entry in ClinVar:

NM_000256.3(MYBPC3):c.623_626dup (p.His210fs)

Gene: MYBPC3 (myosin binding protein C3; minus strand). Cytogenetic location: 11p11.2.
Variant type: Duplication.
Coding change: c.623_626dup on transcript NM_000256.3 (MANE Select); coding-DNA positions 623 to 626, 4 bases duplicated (AGCT; older notation c.623_626dupAGCT).
Protein change: p.His210fs; shifts the reading frame from histidine 210.
Molecular consequence: frameshift variant.
Genome position (GRCh38, 1-based): chr11:47,349,802-47,349,805, AGCT duplicated on the plus strand (AGCT on the coding strand, the reverse complement: MYBPC3 is on the minus strand). VCF-style (leftmost placement, unchanged base first): chr11-47349801-C-CAGCT. GRCh37 (hg19) VCF-style: chr11-47371352-C-CAGCT.
Other names: short protein forms H210fs.
Identifiers: ClinVar variation 2815832 (VCV002815832.3), dbSNP rs2495780395, ClinGen allele CA2739270433.
Genomic context (GRCh38, chr11:47,349,801, plus strand): 5'-CTCTCCGTGTCTCCACGACCCCGGTGGACCCACCTTGCTGGCGCGGTCGTAGCTGTCGTG[C>CAGCT]AGCTGCAGGTGCTGGCCCACCTTGCTGCTCAGGTCCACCCATTTGCCCTTGAACCACTTG-3'

ClinVar aggregate classification (germline): Pathogenic (1 of 4 stars; one submission).

Conditions:
Hypertrophic cardiomyopathy. Also called: HYPERTROPHIC MYOCARDIOPATHY. Identifiers: Orphanet 217569, MedGen C0007194, MeSH D002312, MONDO:0005045, HP:0001639.

Submission:

Labcorp Genetics (formerly Invitae), Labcorp
Classification: Pathogenic for Hypertrophic cardiomyopathy. Last evaluated: 2023-05-04. Review status: criteria provided, single submitter. Criteria: Invitae Variant Classification Sherloc (09022015). Collection method: clinical testing. Allele origin: germline.
Comment: For these reasons, this variant has been classified as Pathogenic. This sequence change creates a premature translational stop signal (p.His210Alafs*32) in the MYBPC3 gene. It is expected to result in an absent or disrupted protein product. Loss-of-function variants in MYBPC3 are known to be pathogenic (PMID: 19574547). This variant is not present in population databases (gnomAD no frequency). This variant has not been reported in the literature in individuals affected with MYBPC3-related conditions.

Literature cited by the submitters: PubMed 19574547.